The following is an entry in ClinVar:

NM_018685.5(ANLN):c.2594C>T (p.Thr865Ile)

Gene: ANLN (anillin, actin binding protein; plus strand). Cytogenetic location: 7p14.2.
Variant type: single nucleotide variant.
Coding change: c.2594C>T on transcript NM_018685.5 (MANE Select); coding-DNA position 2594, C replaced by T.
Protein change: p.Thr865Ile; replaces threonine 865 with isoleucine.
Molecular consequence: missense variant.
Genome position (GRCh38, 1-based): chr7:36,423,934, C>T. VCF-style: chr7-36423934-C-T. GRCh37 (hg19) VCF-style: chr7-36463543-C-T.
Other names: c.2483C>T, p.Thr828Ile (NM_001284301.3); c.2480C>T, p.Thr827Ile (NM_001284302.3); short protein forms T827I, T865I, T828I.
Identifiers: ClinVar variation 3676572 (VCV003676572.2).

ClinVar aggregate classification (germline): Uncertain significance (1 of 4 stars; one submission).

gnomAD v4.1: 5 of 1,608,502 alleles (0.00031%); highest among the groups gnomAD compares: African/African-American, 0.0013%; no homozygotes.

Submission:

Labcorp Genetics (formerly Invitae), Labcorp
Classification: Uncertain significance. Last evaluated: 2024-03-16. Review status: criteria provided, single submitter. Criteria: Invitae Variant Classification Sherloc (09022015). Collection method: clinical testing. Allele origin: germline.
Comment: This sequence change replaces threonine, which is neutral and polar, with isoleucine, which is neutral and non-polar, at codon 865 of the ANLN protein (p.Thr865Ile). This variant is not present in population databases (gnomAD no frequency). This variant has not been reported in the literature in individuals affected with ANLN-related conditions. Advanced modeling of protein sequence and biophysical properties (such as structural, functional, and spatial information, amino acid conservation, physicochemical variation, residue mobility, and thermodynamic stability) performed at Invitae indicates that this missense variant is not expected to disrupt ANLN protein function with a negative predictive value of 80%. In summary, the available evidence is currently insufficient to determine the role of this variant in disease. Therefore, it has been classified as a Variant of Uncertain Significance.